The following is an entry in ClinVar:

NM_000297.4(PKD2):c.1988del (p.Thr663fs)

Gene: PKD2 (polycystin 2, transient receptor potential cation channel; plus strand). Cytogenetic location: 4q22.1.
Variant type: Deletion.
Coding change: c.1988del on transcript NM_000297.4 (MANE Select); coding-DNA position 1988, one base deleted (C; older notation c.1988delC).
Protein change: p.Thr663fs; shifts the reading frame from threonine 663.
Molecular consequence: frameshift variant.
Genome position (GRCh38, 1-based): chr4:88,058,072, C deleted. VCF-style (leftmost placement, unchanged base first): chr4-88058071-AC-A. GRCh37 (hg19) VCF-style: chr4-88979223-AC-A.
Other names: short protein forms T663fs.
Identifiers: ClinVar variation 3382744 (VCV003382744.2).

ClinVar aggregate classification (germline): Pathogenic (1 of 4 stars; one submission).

Conditions:
Polycystic kidney disease 2 (PKD2). Also called: POLYCYSTIC KIDNEY DISEASE, ADULT, TYPE II; Polycystic Kidney Disease 2, Autosomal Dominant; POLYCYSTIC KIDNEY DISEASE 2 WITH OR WITHOUT POLYCYSTIC LIVER DISEASE. Identifiers: MedGen C2751306, MONDO:0013131, OMIM 613095.

Submission:

Juno Genomics, Hangzhou Juno Genomics, Inc
Classification: Pathogenic for Polycystic kidney disease 2. Review status: criteria provided, single submitter. Criteria: ACMG Guidelines, 2015. Collection method: clinical testing. Allele origin: germline. Affected: yes.
Comment: Null variant in a gene where loss of function (LOF) is a known mechanism of disease.;Absent from controls (or at extremely low frequency if recessive) in Genome Aggregation Database, Exome Sequencing Project, 1000 Genomes Project, or Exome Aggregation Consortium.;Patient's phenotype or family history is highly specific for a disease with a single genetic etiology.